The following is an entry in ClinVar:

ClinVar aggregate classification (germline): Likely benign (1 of 4 stars; one submission).

Conditions:
BBS1-related disorder. Also called: BBS1-related condition.

gnomAD v4.1: 1 of 1,605,524 alleles (0.000062%); highest among the groups gnomAD compares: Admixed American, 0.0017%; no homozygotes.

Submission:

PreventionGenetics, part of Exact Sciences
Classification: Likely benign for BBS1-related condition. Last evaluated: 2025-12-19. Review status: criteria provided, single submitter. Criteria: ACMG Guidelines, 2015. Collection method: clinical testing. Allele origin: germline.
Comment: This variant is classified as likely benign based on ACMG/AMP sequence variant interpretation guidelines (Richards et al. 2015 PMID: 25741868, with internal and published modifications).

NM_024649.5(BBS1):c.1767G>A (p.Gly589=)

Genes: BBS1 (Bardet-Biedl syndrome 1; plus strand), ZDHHC24 (zDHHC palmitoyltransferase 24; minus strand). Cytogenetic location: 11q13.2.
Variant type: single nucleotide variant.
Coding change: c.1767G>A on transcript NM_024649.5 (MANE Select); coding-DNA position 1767, G replaced by A.
Protein change: p.Gly589=; no amino-acid change (glycine 589 retained).
Molecular consequence: synonymous variant. On other transcripts: intron variant (1).
Genome position (GRCh38, 1-based): chr11:66,532,022, G>A. VCF-style: chr11-66532022-G-A. GRCh37 (hg19) VCF-style: chr11-66299493-G-A.
Other names: c.560-2534C>T (NM_001348571.2).
Identifiers: ClinVar variation 4993099 (VCV004993099.1).